The following is an entry in ClinVar:

NM_018896.5(CACNA1G):c.131C>T (p.Ala44Val)

Genes: CACNA1G (calcium voltage-gated channel subunit alpha1 G; plus strand), CACNA1G-AS1 (CACNA1G antisense RNA 1; minus strand). Cytogenetic location: 17q21.33.
Variant type: single nucleotide variant.
Coding change: c.131C>T on transcript NM_018896.5 (MANE Select); coding-DNA position 131, C replaced by T.
Protein change: p.Ala44Val; replaces alanine 44 with valine.
Molecular consequence: missense variant. On other transcripts: non-coding transcript variant (5).
Genome position (GRCh38, 1-based): chr17:50,561,590, C>T. VCF-style: chr17-50561590-C-T. GRCh37 (hg19) VCF-style: chr17-48638951-C-T.
Other names: c.131C>T, p.Ala44Val (NM_001256324.2, NM_001256325.2, NM_001256326.2 and 24 more transcripts); short protein forms A44V.
Identifiers: ClinVar variation 4874571 (VCV004874571.2).
Genomic context (GRCh38, chr17:50,561,590, plus strand): 5'-ACCTGTCGGGGGCCGGGGGCCGGCCGGGGCCGGGGTCAGCAGAAAAGGACCCGGGCAGCG[C>T]GGACTCCGAGGCGGAGGGGCTGCCGTACCCGGCGCTGGCCCCGGTGGTTTTCTTCTACTT-3'
Protein context (NP_061496.2, residues 34-54): PGSAEKDPGS[Ala44Val]DSEAEGLPYP

ClinVar aggregate classification (germline): Uncertain significance (1 of 4 stars; one submission).

gnomAD v4.1: 25 of 1,570,400 alleles (0.0016%); highest among the groups gnomAD compares: East Asian, 0.056%; no homozygotes.

Submission:

CeGaT Center for Human Genetics Tuebingen
Classification: Uncertain significance. Last evaluated: 2026-04-01. Review status: criteria provided, single submitter. Criteria: CeGaT Center For Human Genetics Tuebingen Variant Classification Criteria Version 2. Collection method: clinical testing. Allele origin: germline. Affected: yes. Observed: 1 variant allele.
Comment: CACNA1G: PP3